The following is an entry in ClinVar:

NM_000088.4(COL1A1):c.3034del (p.Ser1012fs)

Gene: COL1A1 (collagen type I alpha 1 chain; minus strand). Cytogenetic location: 17q21.33.
Variant type: Deletion.
Coding change: c.3034del on transcript NM_000088.4 (MANE Select); coding-DNA position 3034, one base deleted (T; older notation c.3034delT).
Protein change: p.Ser1012fs; shifts the reading frame from serine 1012.
Molecular consequence: frameshift variant.
Genome position (GRCh38, 1-based): chr17:50,188,914, A deleted on the plus strand (T on the coding strand, the reverse complement: COL1A1 is on the minus strand). VCF-style (leftmost placement, unchanged base first): chr17-50188913-GA-G. GRCh37 (hg19) VCF-style: chr17-48266274-GA-G.
Other names: short protein forms S1012fs.
Identifiers: ClinVar variation 2754054 (VCV002754054.3), dbSNP rs2509179683, ClinGen allele CA2697560252.
Genomic context (GRCh38, chr17:50,188,913, plus strand): 5'-CCACAATGGCCATGCTGAGGGTACTGGCATGGGGGCTGGGGACTGCTCACCTCACGTCCA[GA>G]TTCACCAGGGGGTCCAGCCAATCCAGGGGGGCCCATGGGACCAGGGGGACCACGTTCACC-3'

ClinVar aggregate classification (germline): Pathogenic (1 of 4 stars; one submission).

Conditions:
Osteogenesis imperfecta type I (OI1). Also called: OI, TYPE I; OSTEOGENESIS IMPERFECTA TARDA; OSTEOGENESIS IMPERFECTA WITH BLUE SCLERAE; Osteogenesis imperfecta type 1; Lobstein's Disease; Classic Non-deforming Osteogenesis Imperfecta with Blue Sclerae. Identifiers: Orphanet 216796, Orphanet 666, MedGen C0023931, MONDO:0008146, OMIM 166200. Disease mechanism: loss of function.

Submission:

Labcorp Genetics (formerly Invitae), Labcorp
Classification: Pathogenic for Osteogenesis imperfecta type I. Last evaluated: 2023-08-19. Review status: criteria provided, single submitter. Criteria: Invitae Variant Classification Sherloc (09022015). Collection method: clinical testing. Allele origin: germline.
Comment: This sequence change creates a premature translational stop signal (p.Ser1012Leufs*96) in the COL1A1 gene. It is expected to result in an absent or disrupted protein product. Loss-of-function variants in COL1A1 are known to be pathogenic (PMID: 7942841, 9295084, 9443882). This variant is not present in population databases (gnomAD no frequency). For these reasons, this variant has been classified as Pathogenic. This variant has not been reported in the literature in individuals affected with COL1A1-related conditions.

Literature cited by the submitters: PubMed 7942841; PubMed 9295084; PubMed 9443882.